The following is an entry in ClinVar:

NM_000138.5(FBN1):c.1588+1G>A

Gene: FBN1 (fibrillin 1; minus strand). Cytogenetic location: 15q21.1.
Variant type: single nucleotide variant.
Coding change: c.1588+1G>A on transcript NM_000138.5 (MANE Select); the canonical splice donor site of the intron after coding-DNA position 1588, G replaced by A.
Molecular consequence: splice donor variant.
Genome position (GRCh38, 1-based): chr15:48,513,548, C>T on the plus strand (G>A on the coding strand, the complement: FBN1 is on the minus strand). VCF-style: chr15-48513548-C-T. GRCh37 (hg19) VCF-style: chr15-48805745-C-T.
Other names: c.1588+1G>A (NM_001406716.1).
Identifiers: ClinVar variation 1516801 (VCV001516801.8), dbSNP rs2141327634, ClinGen allele CA392341938.

ClinVar aggregate classification (germline): Likely pathogenic (1 of 4 stars; one submission).

Conditions:
Marfan syndrome (MFS). Also called: MARFAN SYNDROME, TYPE I; Marfan syndrome type 1; Marfan's syndrome; Marfan syndrome, classic; FBN1-Related Marfan Syndrome. Identifiers: Orphanet 284963, Orphanet 558, MedGen C0024796, MONDO:0007947, OMIM 154700.
Familial thoracic aortic aneurysm and aortic dissection (TAAD). Also called: Thoracic aortic aneurysms and dissections. Identifiers: Orphanet 91387, MedGen C4707243, MONDO:0019625.

Submission:

Labcorp Genetics (formerly Invitae), Labcorp
Classification: Likely pathogenic for Marfan syndrome; Familial thoracic aortic aneurysm and aortic dissection. Last evaluated: 2024-04-02. Review status: criteria provided, single submitter. Criteria: Invitae Variant Classification Sherloc (09022015). Collection method: clinical testing. Allele origin: germline.
Comment: This sequence change affects a donor splice site in intron 13 of the FBN1 gene. It is expected to disrupt RNA splicing. Variants that disrupt the donor or acceptor splice site typically lead to a loss of protein function (PMID: 16199547), and loss-of-function variants in FBN1 are known to be pathogenic (PMID: 17657824, 19293843). This variant is not present in population databases (gnomAD no frequency). Disruption of this splice site has been observed in individual(s) with aortic aneurysm (PMID: 31830381). ClinVar contains an entry for this variant (Variation ID: 1516801). Algorithms developed to predict the effect of sequence changes on RNA splicing suggest that this variant may disrupt the consensus splice site. In summary, the currently available evidence indicates that the variant is pathogenic, but additional data are needed to prove that conclusively. Therefore, this variant has been classified as Likely Pathogenic.

Literature cited by the submitters: PubMed 16199547; PubMed 17657824; PubMed 19293843; PubMed 31830381.